The following is an entry in ClinVar:

ClinVar aggregate classification (germline): Pathogenic. Review status: criteria provided, multiple submitters, no conflicts (2 of 4 stars). 2 submissions from 2 submitters: Pathogenic (2). Last evaluated 2024-05-08.

Conditions:
Primary ciliary dyskinesia 3. Identifiers: Orphanet 244, MedGen C1837618, MONDO:0012085, OMIM 608644.
Primary ciliary dyskinesia. Also called: Ciliary dyskinesia. Identifiers: Orphanet 244, MedGen C0008780, MONDO:0016575, HP:0012265.

Submissions (2):

Myriad Genetics, Inc.
Classification: Pathogenic for Primary ciliary dyskinesia 3. Last evaluated: 2024-05-08. Review status: criteria provided, single submitter. Criteria: Myriad Autosomal Dominant, Autosomal Recessive and X-Linked Classification Criteria (2023). Collection method: clinical testing. Allele origin: unknown.
Comment: NM_001369.2(DNAH5):c.2660T>A(L887*) is expected to be pathogenic in the context of primary ciliary dyskinesia, DNAH5-related. This variant is predicted to lead to an abnormal or absent protein product due to the creation of a premature termination codon in DNAH5, a gene where loss-of-function variants are known to be pathogenic. Please note: this variant was assessed in the context of healthy population screening.

Labcorp Genetics (formerly Invitae), Labcorp
Classification: Pathogenic for Primary ciliary dyskinesia. Last evaluated: 2020-05-06. Review status: criteria provided, single submitter. Criteria: Invitae Variant Classification Sherloc (09022015). Collection method: clinical testing. Allele origin: germline.
Comment: Loss-of-function variants in DNAH5 are known to be pathogenic (PMID: 11788826, 16627867). For these reasons, this variant has been classified as Pathogenic. This sequence change creates a premature translational stop signal (p.Leu887*) in the DNAH5 gene. It is expected to result in an absent or disrupted protein product. This variant is not present in population databases (ExAC no frequency). This variant has not been reported in the literature in individuals with DNAH5-related conditions. Algorithms developed to predict the effect of sequence changes on RNA splicing suggest that this variant may create or strengthen a splice site, but this prediction has not been confirmed by published transcriptional studies.

Literature cited by the submitters: PubMed 11788826 (cited by Labcorp Genetics (formerly Invitae), Labcorp); PubMed 16627867 (cited by Labcorp Genetics (formerly Invitae), Labcorp).

NM_001369.3(DNAH5):c.2660T>A (p.Leu887Ter)

Genes: DNAH5 (dynein axonemal heavy chain 5; minus strand), DNAH5-AS1 (DNAH5 antisense RNA 1; plus strand). Cytogenetic location: 5p15.2.
Variant type: single nucleotide variant.
Coding change: c.2660T>A on transcript NM_001369.3 (MANE Select); coding-DNA position 2660, T replaced by A.
Protein change: p.Leu887Ter; replaces leucine 887 with a stop codon.
Molecular consequence: nonsense.
Genome position (GRCh38, 1-based): chr5:13,886,047, A>T on the plus strand (T>A on the coding strand, the complement: DNAH5 is on the minus strand). VCF-style: chr5-13886047-A-T. GRCh37 (hg19) VCF-style: chr5-13886156-A-T.
Other names: short protein forms L887*.
Identifiers: ClinVar variation 1074838 (VCV001074838.8), dbSNP rs2151943036, ClinGen allele CA359196463.